The following is an entry in ClinVar:

ClinVar aggregate classification (germline): Benign/Likely benign. Review status: criteria provided, multiple submitters, no conflicts (2 of 4 stars). 4 submissions from 4 submitters: Benign (1); Likely benign (3). Last evaluated 2024-04-09.

Conditions:
Hereditary cancer-predisposing syndrome. Also called: Neoplastic Syndromes, Hereditary; Tumor predisposition; Hereditary Cancer Syndrome; Hereditary neoplastic syndrome. Identifiers: Orphanet 140162, MedGen C0027672, MeSH D009386, MONDO:0015356.
Familial adenomatous polyposis 1 (FAP1). Also called: FAMILIAL ADENOMATOUS POLYPOSIS 1, ATTENUATED; POLYPOSIS, ADENOMATOUS INTESTINAL. Identifiers: MedGen C2713442, MONDO:0021056, OMIM 175100. Disease mechanism: loss of function.

Allele frequency attached by ClinVar (database versions not stated): gnomAD exomes below 0.00001.
gnomAD v4.1: 1 of 1,614,086 alleles (0.000062%); highest among the groups gnomAD compares: South Asian, 0.0011%; no homozygotes.

Submissions (4):

Myriad Genetics, Inc.
Classification: Benign for Familial adenomatous polyposis 1. Last evaluated: 2024-04-09. Review status: criteria provided, single submitter. Criteria: Myriad Autosomal Dominant, Autosomal Recessive and X-Linked Classification Criteria (2023). Collection method: clinical testing. Allele origin: unknown.
Comment: This variant is considered benign. This variant is a silent/synonymous amino acid change and it is not expected to impact splicing.

Labcorp Genetics (formerly Invitae), Labcorp
Classification: Likely benign for Familial adenomatous polyposis 1. Last evaluated: 2023-07-19. Review status: criteria provided, single submitter. Criteria: Invitae Variant Classification Sherloc (09022015). Collection method: clinical testing. Allele origin: germline.

Ambry Genetics
Classification: Likely benign for Hereditary cancer-predisposing syndrome. Last evaluated: 2021-03-28. Review status: criteria provided, single submitter. Criteria: Ambry Variant Classification Scheme 2023. Collection method: clinical testing. Allele origin: germline.

Color Diagnostics, LLC DBA Color Health
Classification: Likely benign for Hereditary cancer-predisposing syndrome. Last evaluated: 2018-11-01. Review status: criteria provided, single submitter. Criteria: ACMG Guidelines, 2015. Collection method: clinical testing. Allele origin: germline.

NM_000038.6(APC):c.7380T>C (p.Ala2460=)

Gene: APC (APC regulator of Wnt signaling pathway; plus strand). Cytogenetic location: 5q22.2.
Variant type: single nucleotide variant.
Coding change: c.7380T>C on transcript NM_000038.6 (MANE Select); coding-DNA position 7380, T replaced by C.
Protein change: p.Ala2460=; no amino-acid change (alanine 2460 retained).
Molecular consequence: synonymous variant.
Genome position (GRCh38, 1-based): chr5:112,842,974, T>C. VCF-style: chr5-112842974-T-C. GRCh37 (hg19) VCF-style: chr5-112178671-T-C.
Other names: c.7380T>C, p.Ala2460= (NM_001127510.3, NM_001354895.2); c.7326T>C, p.Ala2442= (NM_001127511.3); c.7434T>C, p.Ala2478= (NM_001354896.2); c.7410T>C, p.Ala2470= (NM_001354897.2); c.7305T>C, p.Ala2435= (NM_001354898.2); c.7296T>C, p.Ala2432= (NM_001354899.2); c.7257T>C, p.Ala2419= (NM_001354900.2); c.7203T>C, p.Ala2401= (NM_001354901.2); and 5 more.
Identifiers: ClinVar variation 925452 (VCV000925452.15), dbSNP rs1060504889, ClinGen allele CA446210539.